The following is an entry in ClinVar:

NM_006947.4(SRP72):c.428A>G (p.Tyr143Cys)

Gene: SRP72 (signal recognition particle 72; plus strand). Cytogenetic location: 4q12.
Variant type: single nucleotide variant.
Coding change: c.428A>G on transcript NM_006947.4 (MANE Select); coding-DNA position 428, A replaced by G.
Protein change: p.Tyr143Cys; replaces tyrosine 143 with cysteine.
Molecular consequence: missense variant. On other transcripts: non-coding transcript variant (1).
Genome position (GRCh38, 1-based): chr4:56,474,127, A>G. VCF-style: chr4-56474127-A-G. GRCh37 (hg19) VCF-style: chr4-57340293-A-G.
Other names: c.428A>G, p.Tyr143Cys (NM_001267722.2); short protein forms Y143C.
Identifiers: ClinVar variation 3962062 (VCV003962062.1).

ClinVar aggregate classification (germline): Uncertain significance (1 of 4 stars; one submission).

gnomAD v4.1: 1 of 1,614,238 alleles (0.000062%); highest among the groups gnomAD compares: Non-Finnish European, 0.000085%; no homozygotes.

Submission:

Ambry Genetics
Classification: Uncertain significance. Last evaluated: 2025-04-11. Review status: criteria provided, single submitter. Criteria: Ambry Variant Classification Scheme 2023. Collection method: clinical testing. Allele origin: germline.
Comment: The p.Y143C variant (also known as c.428A>G), located in coding exon 4 of the SRP72 gene, results from an A to G substitution at nucleotide position 428. The tyrosine at codon 143 is replaced by cysteine, an amino acid with highly dissimilar properties. This amino acid position is conserved. In addition, this alteration is predicted to be deleterious by in silico analysis. Based on the available evidence, the clinical significance of this variant remains unclear.